The following is an entry in ClinVar:

ClinVar aggregate classification (germline): Pathogenic (1 of 4 stars; one submission).

Conditions:
Thrombophilia, X-linked, due to factor 9 defect. Identifiers: MedGen C2749016, MONDO:0010432, OMIM 300807.
Hereditary factor IX deficiency disease (HEMB). Also called: F9 DEFICIENCY; FACTOR IX DEFICIENCY; PLASMA THROMBOPLASTIN COMPONENT DEFICIENCY; Hemophilia B; Christmas Disease. Identifiers: Orphanet 98879, MedGen C0008533, MeSH D002836, MONDO:0010604, OMIM 306900.

Submission:

Labcorp Genetics (formerly Invitae), Labcorp
Classification: Pathogenic for Thrombophilia, X-linked, due to factor 9 defect; Hereditary factor IX deficiency disease. Last evaluated: 2022-12-29. Review status: criteria provided, single submitter. Criteria: Invitae Variant Classification Sherloc (09022015). Collection method: clinical testing. Allele origin: germline.
Comment: For these reasons, this variant has been classified as Pathogenic. This variant disrupts the p.Leu383 amino acid residue in F9. Other variant(s) that disrupt this residue have been determined to be pathogenic (PMID: 19699296, 22639855, 23617593, 23913812). This suggests that this residue is clinically significant, and that variants that disrupt this residue are likely to be disease-causing. Advanced modeling of protein sequence and biophysical properties (such as structural, functional, and spatial information, amino acid conservation, physicochemical variation, residue mobility, and thermodynamic stability) performed at Invitae indicates that this missense variant is not expected to disrupt F9 protein function. This missense change has been observed in individuals with hemophilia B (PMID: 23913812). This variant is not present in population databases (gnomAD no frequency). This sequence change replaces leucine, which is neutral and non-polar, with histidine, which is basic and polar, at codon 383 of the F9 protein (p.Leu383His).

Literature cited by the submitters: PubMed 19699296; PubMed 22639855; PubMed 23617593; PubMed 23913812.

NM_000133.4(F9):c.1148T>A (p.Leu383His)

Gene: F9 (coagulation factor IX; plus strand). Cytogenetic location: Xq27.1.
Variant type: single nucleotide variant.
Coding change: c.1148T>A on transcript NM_000133.4 (MANE Select); coding-DNA position 1148, T replaced by A.
Protein change: p.Leu383His; replaces leucine 383 with histidine.
Molecular consequence: missense variant.
Genome position (GRCh38, 1-based): chrX:139,561,833, T>A. VCF-style: chrX-139561833-T-A. GRCh37 (hg19) VCF-style: chrX-138643992-T-A.
Other names: c.1034T>A, p.Leu345His (NM_001313913.2); short protein forms L345H, L383H.
Identifiers: ClinVar variation 2925699 (VCV002925699.3), dbSNP rs1387119011, ClinGen allele CA414446182.